The following is an entry in ClinVar:

ClinVar aggregate classification (germline): Conflicting classifications of pathogenicity. Review status: criteria provided, conflicting classifications (1 of 4 stars). 2 submissions from 2 submitters: Likely pathogenic (1); Uncertain significance (1). Last evaluated 2025-12-08.

Allele frequency attached by ClinVar (database versions not stated): gnomAD exomes 0.00001.
gnomAD v4.1: 5 of 1,541,902 alleles (0.00032%); highest among the groups gnomAD compares: South Asian, 0.006%; no homozygotes.

Submissions (2):

Women's Health and Genetics/Laboratory Corporation of America, LabCorp
Classification: Uncertain significance. Last evaluated: 2025-12-08. Review status: criteria provided, single submitter. Criteria: LabCorp Variant Classification Summary - May 2015. Collection method: clinical testing. Allele origin: germline.
Comment: Variant summary: ARSB c.200T>A (p.Ile67Asn) results in a non-conservative amino acid change in the encoded protein sequence. Algorithms developed to predict the effect of missense changes on protein structure and function all suggest that this variant is likely to be disruptive. The frequency data for this variant in gnomAD is considered unreliable, as metrics indicate poor data quality at this position. To our knowledge, no occurrence of c.200T>A in individuals affected with ARSB-related conditions and no experimental evidence demonstrating its impact on protein function have been reported. ClinVar contains an entry for this variant (Variation ID: 418017). Based on the evidence outlined above, the variant was classified as uncertain significance.

GeneDx
Classification: Likely pathogenic. Last evaluated: 2015-07-23. Review status: criteria provided, single submitter. Criteria: GeneDx Variant Classification (06012015). Collection method: clinical testing. Allele origin: germline. Affected: yes.
Comment: The I67N variant is a non-conservative amino acid substitution, which is likely to impact secondary protein structure as these residues differ in polarity, charge, size and/or other properties. This substitution occurs at a position where amino acids with similar properties to Isoleucine are tolerated across species. In silico analysis predicts this variant is probably damaging to the protein structure/function. Missense mutations in nearby residues (S65F, L72P/Q/R) have been reported in the Human Gene Mutation Database in association with mucopolysaccharidosis VI (MPS VI) (Stenson et al., 2014), supporting the functional importance of this region of the protein.

NM_000046.5(ARSB):c.200T>A (p.Ile67Asn)

Genes: ARSB (arylsulfatase B; minus strand), LOC129994126 (ATAC-STARR-seq lymphoblastoid silent region 16127; plus strand). Cytogenetic location: 5q14.1.
Variant type: single nucleotide variant.
Coding change: c.200T>A on transcript NM_000046.5 (MANE Select); coding-DNA position 200, T replaced by A.
Protein change: p.Ile67Asn; replaces isoleucine 67 with asparagine.
Molecular consequence: missense variant.
Genome position (GRCh38, 1-based): chr5:78,985,049, A>T on the plus strand (T>A on the coding strand, the complement: ARSB is on the minus strand). VCF-style: chr5-78985049-A-T. GRCh37 (hg19) VCF-style: chr5-78280872-A-T.
Other names: c.200T>A, p.Ile67Asn (NM_198709.3); short protein forms I67N.
Identifiers: ClinVar variation 418017 (VCV000418017.3), dbSNP rs1064793026, ClinGen allele CA16618213.